The following continues an entry in ClinVar:

NM_000059.4(BRCA2):c.9086C>T (p.Ala3029Val)

Gene: BRCA2. ClinVar aggregate classification (germline): Conflicting classifications of pathogenicity. Uncertain significance (10); Likely benign (3).

Submissions 8 to 16 of 16:

CHEO Genetics Diagnostic Laboratory, Children's Hospital of Eastern Ontario
Classification: Likely benign for Breast and/or ovarian cancer. Last evaluated: 2022-12-08. Review status: criteria provided, single submitter. Criteria: ACMG Guidelines, 2015. Collection method: clinical testing. Allele origin: germline.

Quest Diagnostics Nichols Institute San Juan Capistrano
Classification: Likely benign. Last evaluated: 2022-11-29. Review status: criteria provided, single submitter. Criteria: Quest Diagnostics criteria. Collection method: clinical testing. Allele origin: unknown.

Ambry Genetics
Classification: Likely benign for Hereditary cancer-predisposing syndrome. Last evaluated: 2019-12-06. Review status: criteria provided, single submitter. Criteria: Ambry Variant Classification Scheme 2023. Collection method: clinical testing. Allele origin: germline.

Women's Health and Genetics/Laboratory Corporation of America, LabCorp
Classification: Uncertain significance. Last evaluated: 2019-09-23. Review status: criteria provided, single submitter. Criteria: LabCorp Variant Classification Summary - May 2015. Collection method: clinical testing. Allele origin: germline.
Comment: Variant summary: BRCA2 c.9086C>T (p.Ala3029Val) results in a non-conservative amino acid change in the encoded protein sequence. Three of five in-silico tools predict a damaging effect of the variant on protein function. The variant allele was found at a frequency of 3.2e-05 in 249594 control chromosomes (gnomAD). The available data on variant occurrences in the general population are insufficient to allow any conclusion about variant significance. c.9086C>T has been reported in the literature without strong evidence for or against pathogenicity (Karchin_2008, de Smith_2016). In a cell-based homology directed DNA repair activity assay, this variant was found to have neutral effect (Hart_2019). Six other ClinVar submitters (evaluation after 2014) cite the variant as uncertain significance. Based on the evidence outlined above, the variant was classified as VUS possibly benign.

Mendelics
Classification: Uncertain significance for Breast-ovarian cancer, familial, susceptibility to, 2. Last evaluated: 2019-05-28. Review status: criteria provided, single submitter. Criteria: Mendelics Assertion Criteria 2017. Collection method: clinical testing. Allele origin: unknown.

GeneDx
Classification: Uncertain significance. Last evaluated: 2018-11-27. Review status: criteria provided, single submitter. Criteria: GeneDx Variant Classification (06012015). Collection method: clinical testing. Allele origin: germline. Affected: yes.
Comment: This variant is denoted BRCA2 c.9086C>T at the cDNA level, p.Ala3029Val (A3029V) at the protein level, and results in the change of an Alanine to a Valine (GCG>GTG). Using alternate nomenclature, this variant would be defined as BRCA2 9314C>T. This variant has not, to our knowledge, been published in the literature as a pathogenic or benign germline variant. BRCA2 Ala3029Val was not observed at a significant allele frequency in large population cohorts (Lek 2016). This variant is located in the DNA binding domain (Yang 2002). In silico analysis, which includes protein predictors and evolutionary conservation, supports that this variant does not alter protein structure/function. Based on currently available evidence, it is unclear whether BRCA2 Ala3029Val is a pathogenic or benign variant. We consider it to be a variant of uncertain significance.

Counsyl
Classification: Uncertain significance for Breast-ovarian cancer, familial, susceptibility to, 2. Last evaluated: 2016-02-19. Review status: no assertion criteria provided. Collection method: clinical testing. Allele origin: unknown. Not counted in ClinVar's aggregate classification.

Sharing Clinical Reports Project (SCRP)
Classification: Uncertain significance for Breast-ovarian cancer, familial 2. Last evaluated: 2007-11-30. Review status: no assertion criteria provided. Collection method: clinical testing. Allele origin: germline. Not counted in ClinVar's aggregate classification.

Breast Cancer Information Core (BIC) (BRCA2)
Classification: Uncertain significance for Breast-ovarian cancer, familial 2. Last evaluated: 2001-10-29. Review status: no assertion criteria provided. Collection method: clinical testing. Allele origin: germline. Affected: yes. Observed: 1 variant allele. Not counted in ClinVar's aggregate classification.

Literature cited by the submitters: PubMed 31102422 (cited by 4 submitters); PubMed 33609447 (cited by Labcorp Genetics (formerly Invitae), Labcorp and Color Diagnostics, LLC DBA Color Health); PubMed 29884841 (cited by 5 submitters); PubMed 33471991 (cited by Color Diagnostics, LLC DBA Color Health and All of Us Research Program, National Institutes of Health); PubMed 35736817 (cited by 3 submitters); PubMed 22228431 (cited by Quest Diagnostics Nichols Institute San Juan Capistrano); PubMed 27683039 (cited by Quest Diagnostics Nichols Institute San Juan Capistrano and Women's Health and Genetics/Laboratory Corporation of America, LabCorp); PubMed 25348012 (cited by Quest Diagnostics Nichols Institute San Juan Capistrano and Counsyl); PubMed 24817641 (cited by Quest Diagnostics Nichols Institute San Juan Capistrano and Counsyl); PubMed 19043619 (cited by 4 submitters); PubMed 26295337 (cited by Quest Diagnostics Nichols Institute San Juan Capistrano).